The following is an entry in ClinVar:

ClinVar aggregate classification (germline): Likely pathogenic (1 of 4 stars; one submission).

Conditions:
Primary dilated cardiomyopathy (DCM). Also called: Dilated Cardiomyopathy. Identifiers: Orphanet 217604, MedGen C0007193, MeSH D002311, MONDO:0005021, HP:0001644. Inheritance: Various modes of inheritance.

Allele frequency attached by ClinVar (database versions not stated): gnomAD exomes below 0.00001.
gnomAD v4.1: 1 of 1,593,476 alleles (0.000063%); highest among the groups gnomAD compares: South Asian, 0.0011%; no homozygotes.

Submission:

Laboratory for Molecular Medicine, Mass General Brigham Personalized Medicine
Classification: Likely pathogenic for Primary dilated cardiomyopathy. Last evaluated: 2019-02-22. Review status: criteria provided, single submitter. Criteria: ACMG Guidelines, 2015. Collection method: clinical testing. Allele origin: germline.
Comment: The p.Trp11338X variant in TTN has not been previously reported in individuals with TTN-associated diseases, such as dilated cardiomyopathy and neuromuscular conditions and was absent from large population studies. This nonsense variant leads to a premature termination codon at position 11338, which is predicted to lead to a truncated or absent protein. Nonsense and other truncating variants in TTN are strongly associated with DCM if they impact the exons encoding for the A-band (Herman 2012, Pugh 2014) and/or are located in an exon that is highly expressed in the heart (Roberts 2015). In addition, TTN variants have also been associated with myopathies and other neuromuscular conditions, which usually have autosomal recessive inheritance (Savarese 2016). The p.Trp11338X variant is located in a highly expressed exon in the I-band. In summary, although additional studies are required to fully establish its clinical significance, this variant meets criteria to be classified as likely pathogenic for TTN-associated diseases. ACMG/AMP Criteria applied: PVS1, PM2.

NM_001267550.2(TTN):c.41717G>A (p.Trp13906Ter)

Gene: TTN (titin; minus strand). Cytogenetic location: 2q31.2.
Variant type: single nucleotide variant.
Coding change: c.41717G>A on transcript NM_001267550.2 (MANE Select); coding-DNA position 41717, G replaced by A.
Protein change: p.Trp13906Ter; replaces tryptophan 13906 with a stop codon.
Molecular consequence: nonsense.
Genome position (GRCh38, 1-based): chr2:178,635,607, C>T on the plus strand (G>A on the coding strand, the complement: TTN is on the minus strand). VCF-style: chr2-178635607-C-T. GRCh37 (hg19) VCF-style: chr2-179500334-C-T.
Other names: c.36794G>A, p.Trp12265Ter (NM_001256850.1); c.14522G>A, p.Trp4841Ter (NM_003319.4); c.34013G>A, p.Trp11338Ter (NM_133378.4); c.14897G>A, p.Trp4966Ter (NM_133432.3); c.15098G>A, p.Trp5033Ter (NM_133437.4); short protein forms W11338*, W12265*, W13906*, W4841*, W4966*, W5033*.
Identifiers: ClinVar variation 3075746 (VCV003075746.1), dbSNP rs2471593362, ClinGen allele CA349657341.
Genomic context (GRCh38, chr2:178,635,607, plus strand): 5'-TCTCTCAGTATTTCAGTCTTATCATTTGGTTCCGCAGGGATTTCATCATATCCTTTGAAC[C>T]ACTTAATGTTTGGAGTATCTTTTGCTATATCACAGGCAAAAATAGCTGTCCCCTTGGGTT-3'